The following is an entry in ClinVar:

ClinVar aggregate classification (germline): Uncertain significance. Review status: criteria provided, multiple submitters, no conflicts (2 of 4 stars). 2 submissions from 2 submitters: Uncertain significance (2). Last evaluated 2025-10-02.

Conditions:
Atypical hemolytic-uremic syndrome. Identifiers: Orphanet 2134, MedGen C2931788, MONDO:0016244.

gnomAD v4.1: 8 of 1,613,594 alleles (0.0005%); highest among the groups gnomAD compares: East Asian, 0.018%; no homozygotes.

Submissions (2):

Genomenon, Inc
Classification: Uncertain significance for Atypical hemolytic-uremic syndrome. Last evaluated: 2025-10-02. Review status: criteria provided, single submitter. Criteria: Genomenon Sequence Variant Interpretation Standards. Collection method: curation. Allele origin: germline. Affected: yes.
Comment: CD46 p.Pro195Ser (c.583C>T) is a missense variant that changes the amino acid at residue 195 from Proline to Serine. This variant has been observed in at least one proband affected with atypical hemolytic-uremic syndrome (PMID:29695177;29511899). It is absent or not present at a significant frequency in gnomAD. In silico models agree that this variant is not damaging. In conclusion, we classify CD46 p.Pro195Ser (c.583C>T) as a variant of uncertain significance.

Labcorp Genetics (formerly Invitae), Labcorp
Classification: Uncertain significance. Last evaluated: 2025-08-26. Review status: criteria provided, single submitter. Criteria: Invitae Variant Classification Sherloc (09022015). Collection method: clinical testing. Allele origin: germline.
Comment: This sequence change replaces proline, which is neutral and non-polar, with serine, which is neutral and polar, at codon 195 of the CD46 protein (p.Pro195Ser). This variant is present in population databases (rs773860894, gnomAD 0.02%). This variant has not been reported in the literature in individuals affected with CD46-related conditions. An algorithm developed to predict the effect of missense changes on protein structure and function outputs the following: PolyPhen-2: "Benign". The serine amino acid residue is found in multiple mammalian species, which suggests that this missense change does not adversely affect protein function. In summary, the available evidence is currently insufficient to determine the role of this variant in disease. Therefore, it has been classified as a Variant of Uncertain Significance.

Literature cited by the submitters: PubMed 29695177 (cited by Genomenon, Inc); PubMed 29511899 (cited by Genomenon, Inc).

NM_172351.3(CD46):c.583C>T (p.Pro195Ser)

Gene: CD46 (CD46 molecule; plus strand). Cytogenetic location: 1q32.2.
Variant type: single nucleotide variant.
Coding change: c.583C>T on transcript NM_172351.3 (MANE Select); coding-DNA position 583, C replaced by T.
Protein change: p.Pro195Ser; replaces proline 195 with serine.
Molecular consequence: missense variant.
Genome position (GRCh38, 1-based): chr1:207,761,356, C>T. VCF-style: chr1-207761356-C-T. GRCh37 (hg19) VCF-style: chr1-207934701-C-T.
Other names: c.583C>T, p.Pro195Ser (NM_002389.4, NM_153826.4, NM_172350.3 and 8 more transcripts); short protein forms P195S.
Identifiers: ClinVar variation 4291157 (VCV004291157.2).